The following is an entry in ClinVar:

ClinVar aggregate classification (germline): Uncertain significance. Review status: criteria provided, multiple submitters, no conflicts (2 of 4 stars). 2 submissions from 2 submitters: Uncertain significance (2). Last evaluated 2024-11-05.

Conditions:
Cardiovascular phenotype. Identifiers: MedGen CN230736.

Allele frequency attached by ClinVar (database versions not stated): TOPMed below 0.00001; gnomAD 0.00001; gnomAD exomes 0.00002.
gnomAD v4.1: 39 of 1,613,928 alleles (0.0024%); highest among the groups gnomAD compares: Non-Finnish European, 0.003%; no homozygotes.

Submissions (2):

Ambry Genetics
Classification: Uncertain significance for Cardiovascular phenotype. Last evaluated: 2024-11-05. Review status: criteria provided, single submitter. Criteria: Ambry Variant Classification Scheme 2023. Collection method: clinical testing. Allele origin: germline.
Comment: The p.T478S variant (also known as c.1433C>G), located in coding exon 5 of the ALPK3 gene, results from a C to G substitution at nucleotide position 1433. The threonine at codon 478 is replaced by serine, an amino acid with similar properties. This amino acid position is conserved. In addition, this alteration is predicted to be tolerated by in silico analysis. Based on the available evidence, the clinical significance of this variant remains unclear.

Labcorp Genetics (formerly Invitae), Labcorp
Classification: Uncertain significance. Last evaluated: 2024-02-05. Review status: criteria provided, single submitter. Criteria: Invitae Variant Classification Sherloc (09022015). Collection method: clinical testing. Allele origin: germline.
Comment: This sequence change replaces threonine, which is neutral and polar, with serine, which is neutral and polar, at codon 478 of the ALPK3 protein (p.Thr478Ser). This variant is not present in population databases (gnomAD no frequency). This variant has not been reported in the literature in individuals affected with ALPK3-related conditions. ClinVar contains an entry for this variant (Variation ID: 1447972). An algorithm developed to predict the effect of missense changes on protein structure and function (PolyPhen-2) suggests that this variant is likely to be disruptive. In summary, the available evidence is currently insufficient to determine the role of this variant in disease. Therefore, it has been classified as a Variant of Uncertain Significance.

NM_020778.5(ALPK3):c.827C>G (p.Thr276Ser)

Gene: ALPK3 (alpha kinase 3; plus strand). Cytogenetic location: 15q25.3.
Variant type: single nucleotide variant.
Coding change: c.827C>G on transcript NM_020778.5 (MANE Select); coding-DNA position 827, C replaced by G.
Protein change: p.Thr276Ser; replaces threonine 276 with serine.
Molecular consequence: missense variant.
Genome position (GRCh38, 1-based): chr15:84,840,106, C>G. VCF-style: chr15-84840106-C-G. GRCh37 (hg19) VCF-style: chr15-85383337-C-G.
Other names: c.1433C>G (NM_020778.4); short protein forms T276S.
Identifiers: ClinVar variation 1447972 (VCV001447972.9), dbSNP rs1963642557, ClinGen allele CA393373586.